The following is an entry in ClinVar:

ClinVar aggregate classification (germline): Uncertain significance (1 of 4 stars; one submission).

Conditions:
Gastrointestinal stromal tumor. Also called: Gastrointestinal stromal tumor, somatic; Gastrointestinal stroma tumor. Identifiers: Orphanet 44890, MedGen C0238198, MeSH D046152, MONDO:0011719, OMIM 606764, HP:0100723.

Submission:

Labcorp Genetics (formerly Invitae), Labcorp
Classification: Uncertain significance for Gastrointestinal stromal tumor. Last evaluated: 2025-11-10. Review status: criteria provided, single submitter. Criteria: Invitae Variant Classification Sherloc (09022015). Collection method: clinical testing. Allele origin: germline.
Comment: This sequence change replaces threonine, which is neutral and polar, with alanine, which is neutral and non-polar, at codon 437 of the KIT protein (p.Thr437Ala). This variant is not present in population databases (gnomAD no frequency). This variant has not been reported in the literature in individuals affected with KIT-related conditions. An algorithm developed to predict the effect of missense changes on protein structure and function (PolyPhen-2) suggests that this variant is likely to be tolerated. In summary, the available evidence is currently insufficient to determine the role of this variant in disease. Therefore, it has been classified as a Variant of Uncertain Significance.

NM_000222.3(KIT):c.1309A>G (p.Thr437Ala)

Gene: KIT (KIT proto-oncogene, receptor tyrosine kinase; plus strand). Cytogenetic location: 4q12.
Variant type: single nucleotide variant.
Coding change: c.1309A>G on transcript NM_000222.3 (MANE Select); coding-DNA position 1309, A replaced by G.
Protein change: p.Thr437Ala; replaces threonine 437 with alanine.
Molecular consequence: missense variant.
Genome position (GRCh38, 1-based): chr4:54,723,661, A>G. VCF-style: chr4-54723661-A-G. GRCh37 (hg19) VCF-style: chr4-55589827-A-G.
Other names: c.1309A>G, p.Thr437Ala (NM_001093772.2, NM_001385285.1, NM_001385286.1); c.1312A>G, p.Thr438Ala (NM_001385284.1, NM_001385288.1, NM_001385290.1 and 1 more transcripts); short protein forms T437A, T438A.
Identifiers: ClinVar variation 4697549 (VCV004697549.1).